The following is an entry in ClinVar:

NM_006922.4(SCN3A):c.1381-3C>A

Gene: SCN3A (sodium voltage-gated channel alpha subunit 3; minus strand). Cytogenetic location: 2q24.3.
Variant type: single nucleotide variant.
Coding change: c.1381-3C>A on transcript NM_006922.4 (MANE Select); 3 bases into the intron before coding-DNA position 1381, C replaced by A.
Molecular consequence: intron variant.
Genome position (GRCh38, 1-based): chr2:165,147,032, G>T on the plus strand (C>A on the coding strand, the complement: SCN3A is on the minus strand). VCF-style: chr2-165147032-G-T. GRCh37 (hg19) VCF-style: chr2-166003542-G-T.
Other names: c.1381-3C>A (NM_001081676.2, NM_001081677.2).
Identifiers: ClinVar variation 3906684 (VCV003906684.1).

ClinVar aggregate classification (germline): Uncertain significance (1 of 4 stars; one submission).

Submission:

GeneDx
Classification: Uncertain significance. Last evaluated: 2024-12-18. Review status: criteria provided, single submitter. Criteria: GeneDx Variant Classification Process June 2021. Collection method: clinical testing. Allele origin: germline. Affected: yes.
Comment: Not observed at significant frequency in large population cohorts (gnomAD); Has not been previously published as pathogenic or benign to our knowledge; In silico analysis suggests this variant may impact gene splicing. In the absence of RNA/functional studies, the actual effect of this sequence change is unknown.